The following is an entry in ClinVar:

ClinVar aggregate classification (germline): Uncertain significance (1 of 4 stars; one submission).

Conditions:
Inborn genetic diseases. Identifiers: MedGen C0950123, MeSH D030342.

gnomAD v4.1: 1 of 1,613,378 alleles (0.000062%); highest among the groups gnomAD compares: Non-Finnish European, 0.000085%; no homozygotes.

Submission:

Ambry Genetics
Classification: Uncertain significance for Inborn genetic diseases. Last evaluated: 2026-09-11. Review status: criteria provided, single submitter. Criteria: Ambry Variant Classification Scheme 2023. Collection method: clinical testing. Allele origin: germline.
Comment: The p.I83V variant (also known as c.247A>G), located in coding exon 2 of the ERCC6L2 gene, results from an A to G substitution at nucleotide position 247. The isoleucine at codon 83 is replaced by valine, an amino acid with highly similar properties. This amino acid position is conserved. In addition, this alteration is predicted to be tolerated by in silico analysis. Based on the available evidence, the clinical significance of this variant remains unclear.

NM_020207.7(ERCC6L2):c.247A>G (p.Ile83Val)

Gene: ERCC6L2 (ERCC excision repair 6 like 2; plus strand). Cytogenetic location: 9q22.32.
Variant type: single nucleotide variant.
Coding change: c.247A>G on transcript NM_020207.7 (MANE Select); coding-DNA position 247, A replaced by G.
Protein change: p.Ile83Val; replaces isoleucine 83 with valine.
Molecular consequence: missense variant. On other transcripts: non-coding transcript variant (1).
Genome position (GRCh38, 1-based): chr9:95,881,069, A>G. VCF-style: chr9-95881069-A-G. GRCh37 (hg19) VCF-style: chr9-98643351-A-G.
Other names: c.247A>G, p.Ile83Val (NM_001010895.4, NM_001375291.1, NM_001375292.1 and 2 more transcripts); short protein forms I83V.
Identifiers: ClinVar variation 5036115 (VCV005036115.1).
Genomic context (GRCh38, chr9:95,881,069, plus strand): 5'-AAAATACCTCTTAAACAGCTTCAAGAAGTGAAATTTGTTAAAGATTGCCCTAGGAATCTT[A>G]TATTTGATGATGAAGATTTAGAAAAACCTTATTTCCCAAACCGAAAATTTCCATCATCTT-3'
Protein context (NP_064592.3, residues 73-93): KFVKDCPRNL[Ile83Val]FDDEDLEKPY